The following is an entry in ClinVar:

NM_004371.4(COPA):c.1456G>T (p.Val486Leu)

Gene: COPA (coat protein complex I subunit alpha; minus strand). Cytogenetic location: 1q23.2.
Variant type: single nucleotide variant.
Coding change: c.1456G>T on transcript NM_004371.4 (MANE Select); coding-DNA position 1456, G replaced by T.
Protein change: p.Val486Leu; replaces valine 486 with leucine.
Molecular consequence: missense variant.
Genome position (GRCh38, 1-based): chr1:160,305,760, C>A on the plus strand (G>T on the coding strand, the complement: COPA is on the minus strand). VCF-style: chr1-160305760-C-A. GRCh37 (hg19) VCF-style: chr1-160275550-C-A.
Other names: c.1456G>T, p.Val486Leu (NM_001098398.2); short protein forms V486L.
Identifiers: ClinVar variation 1014832 (VCV001014832.8), dbSNP rs1383766227, ClinGen allele CA343255231.

ClinVar aggregate classification (germline): Uncertain significance (1 of 4 stars; one submission).

Conditions:
Autoimmune interstitial lung disease-arthritis syndrome. Also called: Autoinflammation and autoimmunity, systemic, with immune dysregulation. Identifiers: Orphanet 444092, MedGen C5975714, MONDO:0014629.

Allele frequency attached by ClinVar (database versions not stated): TOPMed below 0.00001.

Submission:

Labcorp Genetics (formerly Invitae), Labcorp
Classification: Uncertain significance for Autoimmune interstitial lung disease-arthritis syndrome. Last evaluated: 2020-08-21. Review status: criteria provided, single submitter. Criteria: Invitae Variant Classification Sherloc (09022015). Collection method: clinical testing. Allele origin: germline.
Comment: In summary, the available evidence is currently insufficient to determine the role of this variant in disease. Therefore, it has been classified as a Variant of Uncertain Significance. Advanced modeling of protein sequence and biophysical properties (such as structural, functional, and spatial information, amino acid conservation, physicochemical variation, residue mobility, and thermodynamic stability) performed at Invitae indicates that this missense variant is not expected to disrupt COPA protein function. This variant has not been reported in the literature in individuals with COPA-related conditions. This variant is not present in population databases (ExAC no frequency). This sequence change replaces valine with leucine at codon 486 of the COPA protein (p.Val486Leu). The valine residue is highly conserved and there is a small physicochemical difference between valine and leucine.